The following is an entry in ClinVar:

NM_006412.4(AGPAT2):c.475C>T (p.Arg159Cys)

Gene: AGPAT2 (1-acylglycerol-3-phosphate O-acyltransferase 2; minus strand). Cytogenetic location: 9q34.3.
Variant type: single nucleotide variant.
Coding change: c.475C>T on transcript NM_006412.4 (MANE Select); coding-DNA position 475, C replaced by T.
Protein change: p.Arg159Cys; replaces arginine 159 with cysteine.
Molecular consequence: missense variant.
Genome position (GRCh38, 1-based): chr9:136,676,978, G>A on the plus strand (C>T on the coding strand, the complement: AGPAT2 is on the minus strand). VCF-style: chr9-136676978-G-A. GRCh37 (hg19) VCF-style: chr9-139571430-G-A.
Other names: p.Arg159Cys; c.475C>T, p.Arg159Cys (NM_001012727.2); short protein forms R159C.
Identifiers: ClinVar variation 210105 (VCV000210105.52), dbSNP rs142993240, ClinGen allele CA207355.

ClinVar aggregate classification (germline): Benign/Likely benign. Review status: criteria provided, multiple submitters, no conflicts (2 of 4 stars). 11 submissions from 11 submitters: Benign (6); Likely benign (3). 2 of the submissions do not count toward it. Last evaluated 2026-04-01.

Conditions:
AGPAT2-related disorder. Also called: AGPAT2-related condition.
Monogenic diabetes. Identifiers: Orphanet 183625, MedGen C3888631, MONDO:0015967.
Congenital generalized lipodystrophy type 1 (CGL1). Also called: BRUNZELL SYNDROME, AGPAT2-RELATED; Berardinelli-Seip Congenital Lipodystrophy Type 1. Identifiers: Orphanet 528, Orphanet 696189, MedGen C1720862, MONDO:0012071, OMIM 608594.

Allele frequency attached by ClinVar (database versions not stated): 1000 Genomes Project 30x 0.00250; 1000 Genomes Project 0.00300; ESP Exome Variant Server 0.00415; gnomAD 0.00430 and 0.00448; TOPMed 0.00459; gnomAD exomes 0.00514; ExAC 0.00553.
gnomAD v4.1: 8,109 of 1,570,472 alleles (0.52%); highest among the groups gnomAD compares: Middle Eastern, 2%; 36 homozygotes.

Submissions (11):

CeGaT Center for Human Genetics Tuebingen
Classification: Likely benign. Last evaluated: 2026-04-01. Review status: criteria provided, single submitter. Criteria: CeGaT Center For Human Genetics Tuebingen Variant Classification Criteria Version 2. Collection method: clinical testing. Allele origin: germline. Affected: yes. Observed: 11 variant alleles.
Comment: AGPAT2: BS2

Labcorp Genetics (formerly Invitae), Labcorp
Classification: Benign. Last evaluated: 2026-02-01. Review status: criteria provided, single submitter. Criteria: Invitae Variant Classification Sherloc (09022015). Collection method: clinical testing. Allele origin: germline.

Genomic Medicine Center of Excellence, King Faisal Specialist Hospital and Research Centre
Classification: Likely benign. Last evaluated: 2025-08-18. Review status: criteria provided, single submitter. Criteria: ACMG Guidelines, 2015. Collection method: clinical testing. Allele origin: germline.

Mayo Clinic Laboratories, Mayo Clinic
Classification: Likely benign. Last evaluated: 2025-01-06. Review status: criteria provided, single submitter. Criteria: ACMG Guidelines, 2015. Collection method: clinical testing. Allele origin: germline. Observed: 4 variant alleles.
Comment: BS1, BS2

Women's Health and Genetics/Laboratory Corporation of America, LabCorp
Classification: Benign. Last evaluated: 2022-02-19. Review status: criteria provided, single submitter. Criteria: LabCorp Variant Classification Summary - May 2015. Collection method: clinical testing. Allele origin: germline.
Comment: Variant summary: AGPAT2 c.475C>T (p.Arg159Cys) results in a non-conservative amino acid change located in the Phospholipid/glycerol acyltransferase domain (IPR002123) of the encoded protein sequence. Four of five in-silico tools predict a damaging effect of the variant on protein function. The variant allele was found at a frequency of 0.0051 in 248240 control chromosomes in the gnomAD database, including 9 homozygotes. The observed variant frequency is approximately 5.9 fold of the estimated maximal expected allele frequency for a pathogenic variant in AGPAT2 causing Congenital Generalized Lipodystrophy phenotype (0.00087), strongly suggesting that the variant is benign. Four clinical diagnostic laboratories have submitted clinical-significance assessments for this variant to ClinVar after 2014 without evidence for independent evaluation. All laboratories classified the variant as benign. Based on the evidence outlined above, the variant was classified as benign.

Personalized Diabetes Medicine Program, University of Maryland School of Medicine
Classification: Benign for Monogenic diabetes. Last evaluated: 2019-02-22. Review status: criteria provided, single submitter. Criteria: ACMG Guidelines, 2015. Collection method: research. Allele origin: unknown. Observed: 5 variant alleles, 5 heterozygotes.
Comment: ACMG criteria: BS1 (1% in gnomAD AJ population, 0.5% overall MAF in gnomAD; disease prevalence 1:10 million gives MAF of 0.03%), BS2 (8 homozygotes in gnomAD) [REVEL 0.582, BP4 (3 predictors), PP3 (6 predictors)= conflicting evidence, not using].

Genetic Services Laboratory, University of Chicago
Classification: Benign. Last evaluated: 2018-11-07. Review status: criteria provided, single submitter. Criteria: ACMG Guidelines, 2015. Collection method: clinical testing. Allele origin: germline. Affected: no.

Illumina Laboratory Services, Illumina
Classification: Benign for Congenital generalized lipodystrophy type 1. Last evaluated: 2017-04-27. Review status: criteria provided, single submitter. Criteria: ICSL Variant Classification Criteria 13 December 2019. Collection method: clinical testing. Allele origin: germline.
Comment: This variant was observed as part of a predisposition screen in an ostensibly healthy population. A literature search was performed for the gene, cDNA change, and amino acid change (where applicable). Publications were found based on this search. The evidence from the literature, in combination with allele frequency data from public databases where available, was sufficient to rule this variant out of causing disease. Therefore, this variant is classified as benign.

Breakthrough Genomics
Classification: Benign. Review status: criteria provided, single submitter. Criteria: ACMG Guidelines, 2015. Collection method: not provided. Allele origin: germline. Inheritance: Autosomal recessive inheritance. Affected: yes.

PreventionGenetics, part of Exact Sciences
Classification: Benign for AGPAT2-related condition. Last evaluated: 2019-05-01. Review status: no assertion criteria provided. Collection method: clinical testing. Allele origin: germline. Not counted in ClinVar's aggregate classification.
Comment: This variant is classified as benign based on ACMG/AMP sequence variant interpretation guidelines (Richards et al. 2015 PMID: 25741868, with internal and published modifications).

Clinical Genomics, Uppaluri K&H Personalized Medicine Clinic
Classification: Uncertain risk allele for Congenital generalized lipodystrophy type 1. Review status: flagged submission. Criteria: K And H Uppaluri Personalized Medicine Clinic Variant Classification And Assertion Criteria Updated V 2. Collection method: research. Allele origin: unknown. Inheritance: Autosomal recessive inheritance. Not counted in ClinVar's aggregate classification.
Comment: Potent mutations in AGPAT2 gene are associated with Congenital generalized lipodystrophy, type 1, which can present with insulin resistance, fatty liver and diabetes. rs142993240 variant is prevalent with Congenital Generalized Lipoatrophy. However, the role of this rs142993240 particular variant is yet to be ascertained.
ClinVar note: Notes: Also, submission does not include any variant-specific evidence, but just mentions the gene-disease relationship.
ClinVar note: Reason: Outlier claim with insufficient supporting evidence

Literature cited by the submitters: PubMed 26336158 (cited by Illumina Laboratory Services, Illumina); PubMed 32117065 (cited by Clinical Genomics, Uppaluri K&H Personalized Medicine Clinic).